The following is an entry in ClinVar:

NM_006267.5(RANBP2):c.7550G>T (p.Gly2517Val)

Gene: RANBP2 (RAN binding protein 2; plus strand). Cytogenetic location: 2q13.
Variant type: single nucleotide variant.
Coding change: c.7550G>T on transcript NM_006267.5 (MANE Select); coding-DNA position 7550, G replaced by T.
Protein change: p.Gly2517Val; replaces glycine 2517 with valine.
Molecular consequence: missense variant.
Genome position (GRCh38, 1-based): chr2:108,768,089, G>T. VCF-style: chr2-108768089-G-T. GRCh37 (hg19) VCF-style: chr2-109384545-G-T.
Other names: short protein forms G2517V.
Identifiers: ClinVar variation 1005141 (VCV001005141.9), dbSNP rs2949963, ClinGen allele CA53457647.

ClinVar aggregate classification (germline): Uncertain significance (1 of 4 stars; one submission).

Conditions:
Familial acute necrotizing encephalopathy (IIAE3). Also called: ENCEPHALOPATHY, ACUTE, INFECTION-INDUCED, SUSCEPTIBILITY TO, 3; Susceptibility to Acute Necrotizing Encephalopathy 1. Identifiers: Orphanet 88619, MedGen C2675556, MONDO:0011953, OMIM 608033.

Allele frequency attached by ClinVar (database versions not stated): gnomAD 0.00001; gnomAD exomes 0.00001.
gnomAD v4.1: 19 of 1,611,920 alleles (0.0012%); highest among the groups gnomAD compares: Non-Finnish European, 0.0014%; no homozygotes.

Submission:

Labcorp Genetics (formerly Invitae), Labcorp
Classification: Uncertain significance for Familial acute necrotizing encephalopathy. Last evaluated: 2022-02-24. Review status: criteria provided, single submitter. Criteria: Invitae Variant Classification Sherloc (09022015). Collection method: clinical testing. Allele origin: germline.
Comment: In summary, the available evidence is currently insufficient to determine the role of this variant in disease. Therefore, it has been classified as a Variant of Uncertain Significance. Algorithms developed to predict the effect of missense changes on protein structure and function (SIFT, PolyPhen-2, Align-GVGD) all suggest that this variant is likely to be disruptive. ClinVar contains an entry for this variant (Variation ID: 1005141). This variant has not been reported in the literature in individuals affected with RANBP2-related conditions. This variant is not present in population databases (gnomAD no frequency). This sequence change replaces glycine, which is neutral and non-polar, with valine, which is neutral and non-polar, at codon 2517 of the RANBP2 protein (p.Gly2517Val).